The following is an entry in ClinVar:

ClinVar aggregate classification (germline): Likely benign. Review status: criteria provided, single submitter (1 of 4 stars). 2 submissions from 2 submitters: Likely benign (1). 1 of the submissions does not count toward it. Last evaluated 2023-12-11.

Conditions:
TRRAP-related disorder. Also called: TRRAP-related condition.

Allele frequency attached by ClinVar (database versions not stated): gnomAD exomes below 0.00001; TOPMed below 0.00001.
gnomAD v4.1: 3 of 1,614,062 alleles (0.00019%); highest among the groups gnomAD compares: East Asian, 0.0022%; no homozygotes.

Submissions (2):

Labcorp Genetics (formerly Invitae), Labcorp
Classification: Likely benign. Last evaluated: 2023-12-11. Review status: criteria provided, single submitter. Criteria: Invitae Variant Classification Sherloc (09022015). Collection method: clinical testing. Allele origin: germline.

PreventionGenetics, part of Exact Sciences
Classification: Likely benign for TRRAP-related condition. Last evaluated: 2020-06-11. Review status: no assertion criteria provided. Collection method: clinical testing. Allele origin: germline. Not counted in ClinVar's aggregate classification.
Comment: This variant is classified as likely benign based on ACMG/AMP sequence variant interpretation guidelines (Richards et al. 2015 PMID: 25741868, with internal and published modifications).

NM_001375524.1(TRRAP):c.7131C>T (p.Ile2377=)

Gene: TRRAP (transformation/transcription domain associated protein; plus strand). Cytogenetic location: 7q22.1.
Variant type: single nucleotide variant.
Coding change: c.7131C>T on transcript NM_001375524.1 (MANE Select); coding-DNA position 7131, C replaced by T.
Protein change: p.Ile2377=; no amino-acid change (isoleucine 2377 retained).
Molecular consequence: synonymous variant.
Genome position (GRCh38, 1-based): chr7:98,965,850, C>T. VCF-style: chr7-98965850-C-T. GRCh37 (hg19) VCF-style: chr7-98563473-C-T.
Other names: c.7110C>T, p.Ile2370= (NM_001244580.2); c.7056C>T, p.Ile2352= (NM_003496.4); c.7056C>T (NM_003496.3).
Identifiers: ClinVar variation 1977932 (VCV001977932.7), dbSNP rs1276082943, ClinGen allele CA456664594.